The following is an entry in ClinVar:

ClinVar aggregate classification (germline): Conflicting classifications of pathogenicity. Review status: criteria provided, conflicting classifications (1 of 4 stars). 4 submissions from 4 submitters: Uncertain significance (3); Likely benign (1). Last evaluated 2025-09-08.

Conditions:
Hereditary cancer-predisposing syndrome. Also called: Tumor predisposition; Hereditary Cancer Syndrome; Hereditary neoplastic syndrome; Neoplastic Syndromes, Hereditary. Identifiers: Orphanet 140162, MedGen C0027672, MeSH D009386, MONDO:0015356.
Ataxia-telangiectasia syndrome (AT). Also called: Cerebello-oculocutaneous telangiectasia; Immunodeficiency with ataxia telangiectasia; ATAXIA-TELANGIECTASIA, FRESNO VARIANT; Ataxia-telangiectasia, complementation group E; Ataxia-telangiectasia, complementation group D; AT, COMPLEMENTATION GROUP C. Identifiers: Orphanet 100, MedGen C0004135, MONDO:0008840, OMIM 208900.
Familial cancer of breast. Also called: Hereditary breast cancer; BREAST CANCER, FAMILIAL; hereditary breast carcinoma. Identifiers: Orphanet 227535, MedGen C0346153, MONDO:0016419, OMIM 114480. Disease mechanism: loss of function.

Allele frequency attached by ClinVar (database versions not stated): gnomAD exomes below 0.00001; TOPMed below 0.00001.
gnomAD v4.1: 1 of 1,612,858 alleles (0.000062%); highest among the groups gnomAD compares: African/African-American, 0.0013%; no homozygotes.

Submissions (4):

Labcorp Genetics (formerly Invitae), Labcorp
Classification: Likely benign for Ataxia-telangiectasia syndrome. Last evaluated: 2025-09-08. Review status: criteria provided, single submitter. Criteria: Invitae Variant Classification Sherloc (09022015). Collection method: clinical testing. Allele origin: germline.

GeneDx
Classification: Uncertain significance. Last evaluated: 2023-07-19. Review status: criteria provided, single submitter. Criteria: GeneDx Variant Classification Process June 2021. Collection method: clinical testing. Allele origin: germline. Affected: yes.
Comment: Not observed at significant frequency in large population cohorts (gnomAD); In silico analysis supports a deleterious effect on splicing; Has not been previously published as pathogenic or benign to our knowledge

Baylor Genetics
Classification: Uncertain significance for Familial cancer of breast. Last evaluated: 2023-03-01. Review status: criteria provided, single submitter. Criteria: ACMG Guidelines, 2015. Collection method: clinical testing. Allele origin: unknown.

Sema4
Classification: Uncertain significance for Hereditary cancer-predisposing syndrome. Last evaluated: 2021-05-25. Review status: criteria provided, single submitter. Criteria: Sema4 Curation Guidelines. Collection method: curation. Allele origin: germline.
Comment: The ATM c.5006-12T>G variant has not been reported in the literature to our knowledge. It was not observed in the large and broad cohorts of the Genome Aggregation Database (PMID: 32461654). The variant has not been reported in ClinVar. In silico tools suggest the variant may potentially have an impact on splicing, though these predictions have not been confirmed by functional studies. The evidence is insufficient to meet ACMG/AMP criteria for classifying the variant as benign or pathogenic. Thus, the clinical significance of this variant is currently uncertain.

NM_000051.4(ATM):c.5006-12T>G

Gene: ATM (ATM serine/threonine kinase; plus strand). Cytogenetic location: 11q22.3.
Variant type: single nucleotide variant.
Coding change: c.5006-12T>G on transcript NM_000051.4 (MANE Select); 12 bases into the intron before coding-DNA position 5006, T replaced by G.
Molecular consequence: intron variant.
Genome position (GRCh38, 1-based): chr11:108,299,702, T>G. VCF-style: chr11-108299702-T-G. GRCh37 (hg19) VCF-style: chr11-108170429-T-G.
Other names: c.5006-12T>G (NM_001351834.2).
Identifiers: ClinVar variation 1533954 (VCV001533954.10), dbSNP rs2083315314, ClinGen allele CA1998796359.
Genomic context (GRCh38, chr11:108,299,702, plus strand): 5'-AAATTAGAAAATTTCAGTTTTATGTATGATCTCTTACCTATGACTCTACTGAAATAGAAT[T>G]TCTATATGTAGAGGCTGTTGGAAGCTGCTTGGGAGAAGTGGGTCCTATAGATTTCTCTAC-3'